The following is an entry in ClinVar:

ClinVar aggregate classification (germline): Uncertain significance (1 of 4 stars; one submission).

Conditions:
Bardet-Biedl syndrome (BBS). Identifiers: Orphanet 110, MedGen C0752166, MONDO:0015229.

Submission:

Labcorp Genetics (formerly Invitae), Labcorp
Classification: Uncertain significance for Bardet-Biedl syndrome. Last evaluated: 2022-09-13. Review status: criteria provided, single submitter. Criteria: Invitae Variant Classification Sherloc (09022015). Collection method: clinical testing. Allele origin: germline.
Comment: In summary, the available evidence is currently insufficient to determine the role of this variant in disease. Therefore, it has been classified as a Variant of Uncertain Significance. Variants that disrupt the consensus splice site are a relatively common cause of aberrant splicing (PMID: 17576681, 9536098). Algorithms developed to predict the effect of sequence changes on RNA splicing suggest that this variant may disrupt the consensus splice site. ClinVar contains an entry for this variant (Variation ID: 1522961). This variant has not been reported in the literature in individuals affected with WDPCP-related conditions. This variant is not present in population databases (gnomAD no frequency). This sequence change falls in intron 14 of the WDPCP gene. It does not directly change the encoded amino acid sequence of the WDPCP protein. It affects a nucleotide within the consensus splice site.

Literature cited by the submitters: PubMed 17576681; PubMed 9536098.

NM_015910.7(WDPCP):c.1915+3A>C

Gene: WDPCP (WD repeat containing planar cell polarity effector; minus strand). Cytogenetic location: 2p15.
Variant type: single nucleotide variant.
Coding change: c.1915+3A>C on transcript NM_015910.7 (MANE Select); 3 bases into the intron after coding-DNA position 1915, A replaced by C.
Molecular consequence: intron variant.
Genome position (GRCh38, 1-based): chr2:63,259,304, T>G on the plus strand (A>C on the coding strand, the complement: WDPCP is on the minus strand). VCF-style: chr2-63259304-T-G. GRCh37 (hg19) VCF-style: chr2-63486439-T-G.
Other names: c.1843+3A>C (NM_001354044.2); c.1438+3A>C (NM_001042692.3).
Identifiers: ClinVar variation 1522961 (VCV001522961.6), dbSNP rs2104771665, ClinGen allele CA2573135025.